The following is an entry in ClinVar:

NM_004287.5(GOSR2):c.494T>C (p.Ile165Thr)

Genes: GOSR2 (golgi SNAP receptor complex member 2; plus strand), LRRC37A2 (leucine rich repeat containing 37 member A2). Cytogenetic location: 17q21.32.
Variant type: single nucleotide variant.
Coding change: c.494T>C on transcript NM_004287.5 (MANE Select); coding-DNA position 494, T replaced by C.
Protein change: p.Ile165Thr; replaces isoleucine 165 with threonine.
Molecular consequence: missense variant. On other transcripts: non-coding transcript variant (3).
Genome position (GRCh38, 1-based): chr17:46,938,615, T>C. VCF-style: chr17-46938615-T-C. GRCh37 (hg19) VCF-style: chr17-45015981-T-C.
Other names: c.494T>C, p.Ile165Thr (NM_001321133.2, NM_054022.4); c.299T>C, p.Ile100Thr (NM_001321134.2); c.353T>C, p.Ile118Thr (NM_001330252.2); c.491T>C, p.Ile164Thr (NM_001353114.2); c.350T>C, p.Ile117Thr (NM_001353115.2, NM_001353116.2); c.440T>C, p.Ile147Thr (NM_001363851.2); short protein forms I147T, I165T, I100T, I117T, I164T, I118T.
Identifiers: ClinVar variation 2200674 (VCV002200674.4), dbSNP rs1174960388, ClinGen allele CA400018912.

ClinVar aggregate classification (germline): Uncertain significance (1 of 4 stars; one submission).

Conditions:
Progressive myoclonic epilepsy. Also called: Myoclonus epilepsy; Progressive myoclonus epilepsy; Familial progressive myoclonic epilepsy; Myoclonic Epilepsies, Progressive. Identifiers: Orphanet 308, Orphanet 98261, MedGen C0751778, MONDO:0020074.

Allele frequency attached by ClinVar (database versions not stated): gnomAD exomes 0.00001; TOPMed 0.00002; gnomAD 0.00003.
gnomAD v4.1: 13 of 1,613,890 alleles (0.00081%); highest among the groups gnomAD compares: Non-Finnish European, 0.0011%; no homozygotes.

Submission:

Labcorp Genetics (formerly Invitae), Labcorp
Classification: Uncertain significance for Progressive myoclonic epilepsy. Last evaluated: 2022-06-13. Review status: criteria provided, single submitter. Criteria: Invitae Variant Classification Sherloc (09022015). Collection method: clinical testing. Allele origin: germline.
Comment: In summary, the available evidence is currently insufficient to determine the role of this variant in disease. Therefore, it has been classified as a Variant of Uncertain Significance. Algorithms developed to predict the effect of missense changes on protein structure and function are either unavailable or do not agree on the potential impact of this missense change (SIFT: "Deleterious"; PolyPhen-2: "Benign"; Align-GVGD: "Class C55"). This variant has not been reported in the literature in individuals affected with GOSR2-related conditions. This variant is present in population databases (no rsID available, gnomAD 0.0009%). This sequence change replaces isoleucine, which is neutral and non-polar, with threonine, which is neutral and polar, at codon 165 of the GOSR2 protein (p.Ile165Thr).